The following is an entry in ClinVar:

NM_000038.6(APC):c.1809del (p.Ala604fs)

Gene: APC (APC regulator of Wnt signaling pathway; plus strand). Cytogenetic location: 5q22.2.
Variant type: Deletion.
Coding change: c.1809del on transcript NM_000038.6 (MANE Select); coding-DNA position 1809, one base deleted (A; older notation c.1809delA).
Protein change: p.Ala604fs; shifts the reading frame from alanine 604.
Molecular consequence: frameshift variant.
Genome position (GRCh38, 1-based): chr5:112,835,016, A deleted; the last of 3 consecutive A bases (chr5:112,835,014-112,835,016); deleting any one gives the same sequence. VCF-style (leftmost placement, unchanged base first): chr5-112835013-TA-T. GRCh37 (hg19) VCF-style: chr5-112170710-TA-T.
Other names: c.1725del, p.Ala576fs (NM_001354899.2); c.1686del, p.Ala563fs (NM_001354900.2); c.1632del, p.Ala545fs (NM_001354901.2); c.1536del, p.Ala513fs (NM_001354902.2); c.1506del, p.Ala503fs (NM_001354903.2); c.1431del, p.Ala478fs (NM_001354904.2); c.1329del, p.Ala444fs (NM_001354905.2); c.960del, p.Ala321fs (NM_001354906.2); and 5 more; short protein forms A321fs, A444fs, A579fs, A614fs, A503fs, A513fs, A545fs, A586fs.
Identifiers: ClinVar variation 856481 (VCV000856481.9), dbSNP rs1764704274, ClinGen allele CA916080340.

ClinVar aggregate classification (germline): Pathogenic (1 of 4 stars; one submission).

Conditions:
Familial adenomatous polyposis 1 (FAP1). Also called: FAMILIAL ADENOMATOUS POLYPOSIS 1, ATTENUATED; POLYPOSIS, ADENOMATOUS INTESTINAL. Identifiers: MedGen C2713442, MONDO:0021056, OMIM 175100. Disease mechanism: loss of function.

Submission:

Labcorp Genetics (formerly Invitae), Labcorp
Classification: Pathogenic for Familial adenomatous polyposis 1. Last evaluated: 2019-12-03. Review status: criteria provided, single submitter. Criteria: Invitae Variant Classification Sherloc (09022015). Collection method: clinical testing. Allele origin: germline.
Comment: Loss-of-function variants in APC are known to be pathogenic (PMID: 17963004, 20685668). For these reasons, this variant has been classified as Pathogenic. This variant has not been reported in the literature in individuals with APC-related conditions. This variant is not present in population databases (ExAC no frequency). This sequence change creates a premature translational stop signal (p.Ala604Leufs*6) in the APC gene. It is expected to result in an absent or disrupted protein product.

Literature cited by the submitters: PubMed 17963004; PubMed 20685668.